The following is an entry in ClinVar:

ClinVar aggregate classification (germline): Uncertain significance (1 of 4 stars; one submission).

Submission:

Labcorp Genetics (formerly Invitae), Labcorp
Classification: Uncertain significance. Last evaluated: 2023-10-05. Review status: criteria provided, single submitter. Criteria: Invitae Variant Classification Sherloc (09022015). Collection method: clinical testing. Allele origin: germline.
Comment: This sequence change creates a premature translational stop signal (p.Ala698Glnfs*11) in the IL6ST gene. While this is not anticipated to result in nonsense mediated decay, it is expected to disrupt the last 221 amino acid(s) of the IL6ST protein. This variant is not present in population databases (gnomAD no frequency). This variant has not been reported in the literature in individuals affected with IL6ST-related conditions. Experimental studies and prediction algorithms are not available or were not evaluated, and the functional significance of this variant is currently unknown. In summary, the available evidence is currently insufficient to determine the role of this variant in disease. Therefore, it has been classified as a Variant of Uncertain Significance.

NM_002184.4(IL6ST):c.2092del (p.Ala698fs)

Gene: IL6ST (interleukin 6 cytokine family signal transducer; minus strand). Cytogenetic location: 5q11.2.
Variant type: Deletion.
Coding change: c.2092del on transcript NM_002184.4 (MANE Select); coding-DNA position 2092, one base deleted (G; older notation c.2092delG).
Protein change: p.Ala698fs; shifts the reading frame from alanine 698.
Molecular consequence: frameshift variant. On other transcripts: 3 prime UTR variant (1), non-coding transcript variant (2).
Genome position (GRCh38, 1-based): chr5:55,941,747, C deleted on the plus strand (G on the coding strand, the reverse complement: IL6ST is on the minus strand). VCF-style (leftmost placement, unchanged base first): chr5-55941746-GC-G. GRCh37 (hg19) VCF-style: chr5-55237574-GC-G.
Other names: c.1909del, p.Ala637fs (NM_001190981.2); c.1990del, p.Ala664fs (NM_001364275.2); c.1882del, p.Ala628fs (NM_001364276.2); c.1225del, p.Ala409fs (NM_001364277.2); c.1189del, p.Ala397fs (NM_001364278.2); c.1096del, p.Ala366fs (NM_001364279.2); c.*1019del (NM_175767.3); short protein forms A409fs, A637fs, A628fs, A664fs, A698fs, A366fs, A397fs.
Identifiers: ClinVar variation 2766153 (VCV002766153.3), dbSNP rs2533431171, ClinGen allele CA2697547178.